The following is an entry in ClinVar:

NC_012920.1(MT-ND2):m.4707C>T

Gene: MT-ND2 (mitochondrially encoded NADH dehydrogenase 2; plus strand).
Variant type: single nucleotide variant.
Genome position: chrM-4707-C-T.
Identifiers: ClinVar variation 692485 (VCV000692485.1), dbSNP rs1603219574, ClinGen allele CA414775416.

ClinVar aggregate classification (germline): Benign (1 of 4 stars; one submission).

Conditions:
Leigh syndrome (NULS). Also called: Leigh's necrotizing encephalopathy; Leigh's disease; Leigh Syndrome (mtDNA deletion); Leigh Disease; Subacute necrotizing encephalopathy; Necrotizing encephalopathy infantile subacute of Leigh. Identifiers: Orphanet 506, MedGen C2931891, MONDO:0009723, OMIM 256000.

Submission:

Wong Mito Lab, Molecular and Human Genetics, Baylor College of Medicine
Classification: Benign for Leigh syndrome. Last evaluated: 2019-10-17. Review status: criteria provided, single submitter. Criteria: Modified ACMG Guidelines (Unpublished). Collection method: clinical testing. Allele origin: germline.
Comment: The NC_012920.1:m.4707C>T (YP_003024027.1:p.Leu80Phe) variant in MTND2 gene is interpretated to be a Benign variant based on the modified ACMG guidelines (unpublished). This variant meets the following evidence codes: BS1, BS4, BP4